The following is an entry in ClinVar:

ClinVar aggregate classification (germline): Uncertain significance. Review status: criteria provided, multiple submitters, no conflicts (2 of 4 stars). 2 submissions from 2 submitters: Uncertain significance (2). Last evaluated 2022-08-09.

Conditions:
Xeroderma pigmentosum, group D (XPD). Also called: ERCC2-Related Xeroderma Pigmentosum; XERODERMA PIGMENTOSUM, COMPLEMENTATION GROUP D; XERODERMA PIGMENTOSUM IV; XP, GROUP D; XP, GROUP H. Identifiers: MedGen C0268138, MONDO:0010212, OMIM 278730.

Allele frequency attached by ClinVar (database versions not stated): TOPMed 0.00003; ExAC 0.00019.

Submissions (2):

Labcorp Genetics (formerly Invitae), Labcorp
Classification: Uncertain significance. Last evaluated: 2022-08-09. Review status: criteria provided, single submitter. Criteria: Invitae Variant Classification Sherloc (09022015). Collection method: clinical testing. Allele origin: germline.
Comment: This sequence change falls in intron 11 of the ERCC2 gene. It does not directly change the encoded amino acid sequence of the ERCC2 protein. It affects a nucleotide within the consensus splice site. This variant is present in population databases (rs762719901, gnomAD 0.1%). This variant has not been reported in the literature in individuals affected with ERCC2-related conditions. ClinVar contains an entry for this variant (Variation ID: 329516). Variants that disrupt the consensus splice site are a relatively common cause of aberrant splicing (PMID: 17576681, 9536098). Algorithms developed to predict the effect of sequence changes on RNA splicing suggest that this variant is not likely to affect RNA splicing. In summary, the available evidence is currently insufficient to determine the role of this variant in disease. Therefore, it has been classified as a Variant of Uncertain Significance.

Illumina Laboratory Services, Illumina
Classification: Uncertain significance for Xeroderma pigmentosum, group D. Last evaluated: 2018-01-13. Review status: criteria provided, single submitter. Criteria: ICSL Variant Classification Criteria 13 December 2019. Collection method: clinical testing. Allele origin: germline.

Literature cited by the submitters: PubMed 17576681 (cited by Labcorp Genetics (formerly Invitae), Labcorp); PubMed 9536098 (cited by Labcorp Genetics (formerly Invitae), Labcorp).

NM_000400.4(ERCC2):c.1118+4C>G

Gene: ERCC2 (ERCC excision repair 2, TFIIH core complex helicase subunit; minus strand). Cytogenetic location: 19q13.32.
Variant type: single nucleotide variant.
Coding change: c.1118+4C>G on transcript NM_000400.4 (MANE Select); 4 bases into the intron after coding-DNA position 1118, C replaced by G.
Molecular consequence: intron variant.
Genome position (GRCh38, 1-based): chr19:45,363,739, G>C on the plus strand (C>G on the coding strand, the complement: ERCC2 is on the minus strand). VCF-style: chr19-45363739-G-C. GRCh37 (hg19) VCF-style: chr19-45866997-G-C.
Other names: c.1046+4C>G (NM_001130867.2).
Identifiers: ClinVar variation 329516 (VCV000329516.8), dbSNP rs762719901, ClinGen allele CA9513542.